The following is an entry in ClinVar:

NM_014927.5(CNKSR2):c.1394-13_1423del

Gene: CNKSR2 (connector enhancer of kinase suppressor of Ras 2; plus strand). Cytogenetic location: Xp22.12.
Variant type: Deletion.
Coding change: c.1394-13_1423del on transcript NM_014927.5 (MANE Select); 13 bases into the intron before coding-DNA position 1394 through coding-DNA position 1423, 43 bases deleted.
Molecular consequence: splice acceptor variant.
Genome position (GRCh38, 1-based): chrX:21,563,225-21,563,267, 43 bases deleted. GRCh37 (hg19): chrX:21,581,343-21,581,385.
Other names: c.1304-13_1333del (NM_001168647.3, NM_001330773.2); c.1247-13_1276del (NM_001330770.2, NM_001168649.3); c.1157-13_1186del (NM_001330772.2, NM_001330771.2); c.1394-13_1423del (NM_001168648.3).
Identifiers: ClinVar variation 3382012 (VCV003382012.2).
Genomic context (GRCh38, chrX:21,563,224, plus strand): 5'-GCACAATTGAGAAAGAATGGTAAATTTGGGGTATTTGTGTATTTATATTGGTGTATTTAT[CTCTTTTTATATAGAAAACTCTCTACTTCGGTATATGAGCAATG>C]AAAAGATTGCTCAAGAAGAATACATGTTTCAGAGAAACAGCAAAAAGGACACAGGGAAGA-3'

ClinVar aggregate classification (germline): Likely pathogenic (1 of 4 stars; one submission).

Conditions:
Intellectual developmental disorder, X-linked, syndromic, Houge type. Also called: MENTAL RETARDATION, X-LINKED, SYNDROMIC, HOUGE TYPE; Intellectual disability, X-linked, syndromic, Houge type. Identifiers: MedGen C4538788, MONDO:0030909, OMIM 301008.

Submission:

Juno Genomics, Hangzhou Juno Genomics, Inc
Classification: Likely pathogenic for Intellectual developmental disorder, X-linked, syndromic, Houge type. Review status: criteria provided, single submitter. Criteria: ACMG Guidelines, 2015. Collection method: clinical testing. Allele origin: germline. Affected: yes.
Comment: Absent from controls (or at extremely low frequency if recessive) in Genome Aggregation Database, Exome Sequencing Project, 1000 Genomes Project, or Exome Aggregation Consortium.;Null variant in a gene where loss of function (LOF) is a known mechanism of disease.